The following is an entry in ClinVar:

ClinVar aggregate classification (germline): Pathogenic. Review status: criteria provided, single submitter (1 of 4 stars). 3 submissions from 2 submitters: Pathogenic (1). 2 of the submissions do not count toward it. Last evaluated 2019-06-07.

Conditions:
BETA-PLUS-THALASSEMIA, DOMINANT. Identifiers: MedGen C4017525.
Beta-Houston-thalassemia.

Submissions (3):

ARUP Laboratories, Molecular Genetics and Genomics, ARUP Laboratories
Classification: Pathogenic. Last evaluated: 2019-06-07. Review status: criteria provided, single submitter. Criteria: ARUP Molecular Germline Variant Investigation Process. Collection method: clinical testing. Allele origin: germline.
Comment: The Hb Houston variant (HBB: c.383A>C; p.Gln128Pro, also known as Gln127Pro when numbered from the mature protein, rs33910569) is reported in the literature in at least one family affected with a dominant form of beta (+) thalassemia (Kazazian 1992, HbVar). Functional analyses show that the variant protein is highly unstable, and results in the degradation of hemoglobin tetramers, leading to the severe phenotype (Kazazian 1992). This variant is reported in ClinVar (Variation ID: 15409), and is absent from general population databases (Exome Variant Server, Genome Aggregation Database), indicating it is not a common polymorphism. The glutamine at codon 128 is highly conserved, and computational analyses (SIFT, PolyPhen-2) predict that this variant is deleterious. Additionally, other variants at this codon (Hb Dieppe, c.383A>G; p.Gln128Arg, Hb Brest, c.382C>A; Gln128Lys) have been reported in individuals with dominant beta (+) thalassemia (Girodon 1992, HbVar and references therein), and most dominant beta thalassemias are caused by variants in the same exon (Thein 1990). Based on available information, this variant is considered to be pathogenic. References: Link to HbVar for Hb Houston: Girodon E et al. Rapid molecular characterization of mutations leading to unstable hemoglobin beta-chain variants. Ann Hematol. 1992 Oct;65(4):188-92. Kazazian HH Jr et al. Dominant thalassemia-like phenotypes associated with mutations in exon 3 of the beta-globin gene. Blood. 1992 Jun 1;79(11):3014-8. Thein S et al. Molecular basis for dominantly inherited inclusion body beta-thalassemia. Proc Natl Acad Sci U S A. 1990 May;87(10):3924-8.

OMIM
Classification: Pathogenic for HEMOGLOBIN HOUSTON. Last evaluated: 1986-06-01. Review status: no assertion criteria provided. Collection method: literature only. Allele origin: germline. Not counted in ClinVar's aggregate classification.

OMIM
Classification: Pathogenic for BETA-PLUS-THALASSEMIA, DOMINANT. Last evaluated: 1986-06-01. Review status: no assertion criteria provided. Collection method: literature only. Allele origin: germline. Not counted in ClinVar's aggregate classification.

Literature cited by the submitters: PubMed 3014870 (cited by OMIM); PubMed 6310991 (cited by OMIM).

NM_000518.5(HBB):c.383A>C (p.Gln128Pro)

Genes: HBB (hemoglobin subunit beta; minus strand), LOC107133510 (origin of replication at HBB; plus strand), LOC110006319 (beta-globin gene 3' regulatory region; plus strand). Cytogenetic location: 11p15.4.
Variant type: single nucleotide variant.
Coding change: c.383A>C on transcript NM_000518.5 (MANE Select); coding-DNA position 383, A replaced by C.
Protein change: p.Gln128Pro; replaces glutamine 128 with proline.
Molecular consequence: missense variant.
Genome position (GRCh38, 1-based): chr11:5,225,659, T>G on the plus strand (A>C on the coding strand, the complement: HBB is on the minus strand). VCF-style: chr11-5225659-T-G. GRCh37 (hg19) VCF-style: chr11-5246889-T-G.
Other names: Q127P; Hemoglobin Houston; short protein forms Q128P.
Identifiers: ClinVar variation 15409 (VCV000015409.9), dbSNP rs33910569, ClinGen allele CA125273.
Genomic context (GRCh38, chr11:5,225,659, plus strand): 5'-TAGTGATACTTGTGGGCCAGGGCATTAGCCACACCAGCCACCACTTTCTGATAGGCAGCC[T>G]GCACTGGTGGGGTGAATTCTTTGCCAAAGTGATGGGCCAGCACACAGACCAGCACGTTGC-3'
Protein context (NP_000509.1, residues 118-138): HFGKEFTPPV[Gln128Pro]AAYQKVVAGV